The following is an entry in ClinVar:

ClinVar aggregate classification (germline): Uncertain significance (1 of 4 stars; one submission).

Conditions:
Sulfite oxidase deficiency due to molybdenum cofactor deficiency type A. Also called: Molybdenum Cofactor Deficiency A; Molybdenum cofactor deficiency, complementation group A. Identifiers: Orphanet 308386, Orphanet 833, MedGen C1854988, MONDO:0009643, OMIM 252150.

Submission:

Labcorp Genetics (formerly Invitae), Labcorp
Classification: Uncertain significance for Sulfite oxidase deficiency due to molybdenum cofactor deficiency type A. Last evaluated: 2021-05-31. Review status: criteria provided, single submitter. Criteria: Invitae Variant Classification Sherloc (09022015). Collection method: clinical testing. Allele origin: germline.
Comment: This sequence change replaces leucine with proline at codon 6 of the MOCS1 protein (p.Leu6Pro). The leucine residue is weakly conserved and there is a moderate physicochemical difference between leucine and proline. The frequency data for this variant in the population databases is considered unreliable, as metrics indicate insufficient coverage at this position in the ExAC database. This variant has not been reported in the literature in individuals with MOCS1-related conditions. Experimental studies and prediction algorithms are not available or were not evaluated, and the functional significance of this variant is currently unknown. In summary, the available evidence is currently insufficient to determine the role of this variant in disease. Therefore, it has been classified as a Variant of Uncertain Significance.

NM_001358530.2(MOCS1):c.17_18delinsCT (p.Leu6Pro)

Gene: MOCS1 (molybdenum cofactor synthesis 1; minus strand). Cytogenetic location: 6p21.2.
Variant type: Indel.
Coding change: c.17_18delinsCT on transcript NM_001358530.2 (MANE Select); coding-DNA positions 17 to 18, TG replaced by CT.
Protein change: p.Leu6Pro; replaces leucine 6 with proline.
Molecular consequence: missense variant. On other transcripts: 5 prime UTR variant (2), non-coding transcript variant (1).
Genome position (GRCh38, 1-based): chr6:39,934,400-39,934,401, CA replaced by AG on the plus strand (TG replaced by CT on the coding strand, the reverse complement: MOCS1 is on the minus strand). VCF-style: chr6-39934400-CA-AG. GRCh37 (hg19) VCF-style: chr6-39902139-CA-AG.
Other names: c.17_18delinsCT, p.Leu6Pro (NM_001075098.4, NM_001358529.2); c.-118_-117delinsCT (NM_001358531.2, NM_001358533.2); short protein forms L6P.
Identifiers: ClinVar variation 1357919 (VCV001357919.6), dbSNP rs2149429551, ClinGen allele CA2573140727.